The following is an entry in ClinVar:

ClinVar aggregate classification (germline): Uncertain significance (1 of 4 stars; one submission).

Conditions:
Inborn genetic diseases. Identifiers: MedGen C0950123, MeSH D030342.

gnomAD v4.1: 1 of 1,614,142 alleles (0.000062%); highest among the groups gnomAD compares: Non-Finnish European, 0.000085%; no homozygotes.

Submission:

Ambry Genetics
Classification: Uncertain significance for Inborn genetic diseases. Last evaluated: 2025-01-13. Review status: criteria provided, single submitter. Criteria: Ambry Variant Classification Scheme 2023. Collection method: clinical testing. Allele origin: germline.
Comment: The p.S53I variant (also known as c.158G>T), located in coding exon 2 of the FANCA gene, results from a G to T substitution at nucleotide position 158. The serine at codon 53 is replaced by isoleucine, an amino acid with dissimilar properties. This amino acid position is conserved. In addition, this alteration is predicted to be tolerated by in silico analysis. Based on the available evidence, the clinical significance of this variant remains unclear.

NM_000135.4(FANCA):c.158G>T (p.Ser53Ile)

Gene: FANCA (FA complementation group A; minus strand). Cytogenetic location: 16q24.3.
Variant type: single nucleotide variant.
Coding change: c.158G>T on transcript NM_000135.4 (MANE Select); coding-DNA position 158, G replaced by T.
Protein change: p.Ser53Ile; replaces serine 53 with isoleucine.
Molecular consequence: missense variant.
Genome position (GRCh38, 1-based): chr16:89,815,908, C>A on the plus strand (G>T on the coding strand, the complement: FANCA is on the minus strand). VCF-style: chr16-89815908-C-A. GRCh37 (hg19) VCF-style: chr16-89882316-C-A.
Other names: c.158G>T, p.Ser53Ile (NM_001018112.3, NM_001286167.3, NM_001351830.2); short protein forms S53I.
Identifiers: ClinVar variation 3848108 (VCV003848108.1).